The following is an entry in ClinVar:

NM_001304561.2(BTNL2):c.352G>A (p.Asp118Asn)

Genes: BTNL2 (butyrophilin like 2), TSBP1-AS1 (TSBP1 and BTNL2 antisense RNA 1). Cytogenetic location: 6p21.32.
Variant type: single nucleotide variant.
Coding change: c.352G>A on transcript NM_001304561.2 (MANE Select); coding-DNA position 352, G replaced by A.
Protein change: p.Asp118Asn; replaces aspartic acid 118 with asparagine.
Molecular consequence: missense variant.
Genome position (GRCh38, 1-based): chr6:32,405,014, C>T on the plus strand (G>A on the coding strand, the complement: BTNL2 is on the minus strand). VCF-style: chr6-32405014-C-T. GRCh37 (hg19) VCF-style: chr6-32372791-C-T.
Other names: short protein forms D118N.
Identifiers: ClinVar variation 3341530 (VCV003341530.16).
Genomic context (GRCh38, chr6:32,405,014, plus strand): 5'-GCAAGCTTGTTTCTCCACAGTAGTTCCCATCCTGGAAATGGCACCAGTATTGTCCATTGT[C>T]GGAGGGCTGGATGTTGTGTATCTTCAGTGCCACATTTCCCTTTGCAATGCCATTCTCTAT-3'
Protein context (NP_001291490.1, residues 108-128): ALKIHNIQPS[Asp118Asn]NGQYWCHFQD

ClinVar aggregate classification (germline): Benign (1 of 4 stars; one submission).

gnomAD v4.1: 13,418 of 1,613,070 alleles (0.83%); highest among the groups gnomAD compares: Middle Eastern, 5.7%; 366 homozygotes.

Submission:

CeGaT Center for Human Genetics Tuebingen
Classification: Benign. Last evaluated: 2024-08-01. Review status: criteria provided, single submitter. Criteria: CeGaT Center For Human Genetics Tuebingen Variant Classification Criteria Version 2. Collection method: clinical testing. Allele origin: germline. Affected: yes. Observed: 1 variant allele.
Comment: BTNL2: BS1, BS2